The following is an entry in ClinVar:

NM_016239.4(MYO15A):c.6586C>T (p.Gln2196Ter)

Gene: MYO15A (myosin XVA; plus strand). Cytogenetic location: 17p11.2.
Variant type: single nucleotide variant.
Coding change: c.6586C>T on transcript NM_016239.4 (MANE Select); coding-DNA position 6586, C replaced by T.
Protein change: p.Gln2196Ter; replaces glutamine 2196 with a stop codon.
Molecular consequence: nonsense.
Genome position (GRCh38, 1-based): chr17:18,148,105, C>T. VCF-style: chr17-18148105-C-T. GRCh37 (hg19) VCF-style: chr17-18051419-C-T.
Other names: short protein forms Q2196*.
Identifiers: ClinVar variation 3601374 (VCV003601374.1).
Genomic context (GRCh38, chr17:18,148,105, plus strand): 5'-GGGCGGAATGGCTTCCAGGCTGTGTGTCAGCACCGCCTCATGCAGGCCATGGGCCGGGCC[C>T]AACAGCAGGGCTCGGGGGCTGCCCGCACCTTACCCCCGACCCAGCTCGAGTGGACAGCGA-3'

ClinVar aggregate classification (germline): Pathogenic (1 of 4 stars; one submission).

Conditions:
Autosomal recessive nonsyndromic hearing loss 3. Also called: NEUROSENSORY NONSYNDROMIC RECESSIVE DEAFNESS 3. Identifiers: Orphanet 90636, MedGen C1838263, MONDO:0010860, OMIM 600316.

Submission:

Institute of Rare Diseases, West China Hospital, Sichuan University
Classification: Pathogenic for Autosomal recessive nonsyndromic hearing loss 3. Last evaluated: 2025-01-09. Review status: criteria provided, single submitter. Criteria: ClinGen HL ACMG Specifications v1. Collection method: research. Allele origin: germline. Affected: yes.
Comment: PVS1;PM3;PM2_Supporting